The following is an entry in ClinVar:

ClinVar aggregate classification (germline): Uncertain significance (1 of 4 stars; one submission).

Submission:

Labcorp Genetics (formerly Invitae), Labcorp
Classification: Uncertain significance. Last evaluated: 2024-10-17. Review status: criteria provided, single submitter. Criteria: Invitae Variant Classification Sherloc (09022015). Collection method: clinical testing. Allele origin: germline.
Comment: This sequence change replaces alanine, which is neutral and non-polar, with valine, which is neutral and non-polar, at codon 446 of the ADGRA3 protein (p.Ala446Val). This variant is not present in population databases (gnomAD no frequency). This variant has not been reported in the literature in individuals affected with ADGRA3-related conditions. An algorithm developed to predict the effect of missense changes on protein structure and function (PolyPhen-2) suggests that this variant is likely to be tolerated. In summary, the available evidence is currently insufficient to determine the role of this variant in disease. Therefore, it has been classified as a Variant of Uncertain Significance.

NM_145290.4(ADGRA3):c.1337C>T (p.Ala446Val)

Gene: ADGRA3 (adhesion G protein-coupled receptor A3; minus strand). Cytogenetic location: 4p15.2.
Variant type: single nucleotide variant.
Coding change: c.1337C>T on transcript NM_145290.4 (MANE Select); coding-DNA position 1337, C replaced by T.
Protein change: p.Ala446Val; replaces alanine 446 with valine.
Molecular consequence: missense variant.
Genome position (GRCh38, 1-based): chr4:22,435,417, G>A on the plus strand (C>T on the coding strand, the complement: ADGRA3 is on the minus strand). VCF-style: chr4-22435417-G-A. GRCh37 (hg19) VCF-style: chr4-22437040-G-A.
Other names: short protein forms A446V.
Identifiers: ClinVar variation 3723096 (VCV003723096.2).